The following is an entry in ClinVar:

ClinVar aggregate classification (germline): Uncertain significance (1 of 4 stars; one submission).

Allele frequency attached by ClinVar (database versions not stated): gnomAD exomes below 0.00001; gnomAD 0.00001; TOPMed 0.00002.
gnomAD v4.1: 2 of 1,614,052 alleles (0.00012%); highest among the groups gnomAD compares: African/African-American, 0.0027%; no homozygotes.

Submission:

Labcorp Genetics (formerly Invitae), Labcorp
Classification: Uncertain significance. Last evaluated: 2023-11-27. Review status: criteria provided, single submitter. Criteria: Invitae Variant Classification Sherloc (09022015). Collection method: clinical testing. Allele origin: germline.
Comment: This sequence change replaces valine, which is neutral and non-polar, with leucine, which is neutral and non-polar, at codon 4944 of the FAT4 protein (p.Val4944Leu). This variant is not present in population databases (gnomAD no frequency). This variant has not been reported in the literature in individuals affected with FAT4-related conditions. ClinVar contains an entry for this variant (Variation ID: 1461368). Advanced modeling of protein sequence and biophysical properties (such as structural, functional, and spatial information, amino acid conservation, physicochemical variation, residue mobility, and thermodynamic stability) performed at Invitae indicates that this missense variant is not expected to disrupt FAT4 protein function with a negative predictive value of 95%. In summary, the available evidence is currently insufficient to determine the role of this variant in disease. Therefore, it has been classified as a Variant of Uncertain Significance.

NM_001291303.3(FAT4):c.14836G>T (p.Val4946Leu)

Gene: FAT4 (FAT atypical cadherin 4; plus strand). Cytogenetic location: 4q28.1.
Variant type: single nucleotide variant.
Coding change: c.14836G>T on transcript NM_001291303.3 (MANE Select); coding-DNA position 14836, G replaced by T.
Protein change: p.Val4946Leu; replaces valine 4946 with leucine.
Molecular consequence: missense variant.
Genome position (GRCh38, 1-based): chr4:125,491,652, G>T. VCF-style: chr4-125491652-G-T. GRCh37 (hg19) VCF-style: chr4-126412807-G-T.
Other names: c.14833G>T, p.Val4945Leu (NM_001291285.3); c.14830G>T, p.Val4944Leu (NM_024582.6); short protein forms V4944L, V4946L, V4945L.
Identifiers: ClinVar variation 1461368 (VCV001461368.7), dbSNP rs1025769012, ClinGen allele CA104876995.